The following is an entry in ClinVar:

NM_024675.4(PALB2):c.172T>G (p.Leu58Val)

Gene: PALB2 (partner and localizer of BRCA2; minus strand). Cytogenetic location: 16p12.2.
Variant type: single nucleotide variant.
Coding change: c.172T>G on transcript NM_024675.4 (MANE Select); coding-DNA position 172, T replaced by G.
Protein change: p.Leu58Val; replaces leucine 58 with valine.
Molecular consequence: missense variant.
Genome position (GRCh38, 1-based): chr16:23,637,889, A>C on the plus strand (T>G on the coding strand, the complement: PALB2 is on the minus strand). VCF-style: chr16-23637889-A-C. GRCh37 (hg19) VCF-style: chr16-23649210-A-C.
Other names: short protein forms L58V.
Identifiers: ClinVar variation 1464148 (VCV001464148.9), dbSNP rs1597101395, ClinGen allele CA395139120.

ClinVar aggregate classification (germline): Uncertain significance (1 of 4 stars; one submission).

Conditions:
Familial cancer of breast. Also called: Hereditary breast cancer; hereditary breast carcinoma; BREAST CANCER, FAMILIAL. Identifiers: Orphanet 227535, MedGen C0346153, MONDO:0016419, OMIM 114480. Disease mechanism: loss of function.

Submission:

Labcorp Genetics (formerly Invitae), Labcorp
Classification: Uncertain significance for Familial cancer of breast. Last evaluated: 2025-06-02. Review status: criteria provided, single submitter. Criteria: Invitae Variant Classification Sherloc (09022015). Collection method: clinical testing. Allele origin: germline.
Comment: This sequence change replaces leucine, which is neutral and non-polar, with valine, which is neutral and non-polar, at codon 58 of the PALB2 protein (p.Leu58Val). This variant is not present in population databases (gnomAD no frequency). This variant has not been reported in the literature in individuals affected with PALB2-related conditions. ClinVar contains an entry for this variant (Variation ID: 1464148). An algorithm developed to predict the effect of missense changes on protein structure and function outputs the following: PolyPhen-2: "Benign". The valine amino acid residue is found in multiple mammalian species, which suggests that this missense change does not adversely affect protein function. In summary, the available evidence is currently insufficient to determine the role of this variant in disease. Therefore, it has been classified as a Variant of Uncertain Significance.